The following is an entry in ClinVar:

NM_003242.6(TGFBR2):c.911T>C (p.Ile304Thr)

Gene: TGFBR2 (transforming growth factor beta receptor 2; plus strand). Cytogenetic location: 3p24.1.
Variant type: single nucleotide variant.
Coding change: c.911T>C on transcript NM_003242.6 (MANE Select); coding-DNA position 911, T replaced by C.
Protein change: p.Ile304Thr; replaces isoleucine 304 with threonine.
Molecular consequence: missense variant. On other transcripts: intron variant (1).
Genome position (GRCh38, 1-based): chr3:30,672,094, T>C. VCF-style: chr3-30672094-T-C. GRCh37 (hg19) VCF-style: chr3-30713586-T-C.
Other names: c.911T>C (NM_003242.5); c.986T>C, p.Ile329Thr (NM_001024847.3); c.1094T>C, p.Ile365Thr (NM_001407126.1); c.1019T>C, p.Ile340Thr (NM_001407127.1); c.938T>C, p.Ile313Thr (NM_001407128.1); c.914T>C, p.Ile305Thr (NM_001407129.1); c.911T>C, p.Ile304Thr (NM_001407130.1); c.806T>C, p.Ile269Thr (NM_001407132.1, NM_001407133.1, NM_001407134.1 and 2 more transcripts); and 3 more; short protein forms I304T, I305T, I329T, I209T, I313T, I365T, I269T, I184T.
Identifiers: ClinVar variation 3668701 (VCV003668701.3).

ClinVar aggregate classification (germline): Uncertain significance. Review status: criteria provided, multiple submitters, no conflicts (2 of 4 stars). 2 submissions from 2 submitters: Uncertain significance (2). Last evaluated 2026-08-05.

Conditions:
Familial thoracic aortic aneurysm and aortic dissection (TAAD). Also called: Thoracic aortic aneurysms and dissections. Identifiers: Orphanet 91387, MedGen C4707243, MONDO:0019625.

gnomAD v4.1: 1 of 1,614,190 alleles (0.000062%); no homozygotes.

Submissions (2):

Ambry Genetics
Classification: Uncertain significance for Familial thoracic aortic aneurysm and aortic dissection. Last evaluated: 2026-08-05. Review status: criteria provided, single submitter. Criteria: Ambry Variant Classification Scheme 2023. Collection method: clinical testing. Allele origin: germline.
Comment: The p.I304T variant (also known as c.911T>C), located in coding exon 4 of the TGFBR2 gene, results from a T to C substitution at nucleotide position 911. The isoleucine at codon 304 is replaced by threonine, an amino acid with similar properties. This amino acid position is well conserved in available vertebrate species. In addition, this alteration is predicted to be deleterious by in silico analysis. Based on the available evidence, the clinical significance of this variant remains unclear.

Labcorp Genetics (formerly Invitae), Labcorp
Classification: Uncertain significance for Familial thoracic aortic aneurysm and aortic dissection. Last evaluated: 2024-09-16. Review status: criteria provided, single submitter. Criteria: Invitae Variant Classification Sherloc (09022015). Collection method: clinical testing. Allele origin: germline.
Comment: This sequence change replaces isoleucine, which is neutral and non-polar, with threonine, which is neutral and polar, at codon 304 of the TGFBR2 protein (p.Ile304Thr). This variant is present in population databases (no rsID available, gnomAD 0.0009%). This variant has not been reported in the literature in individuals affected with TGFBR2-related conditions. Invitae Evidence Modeling of protein sequence and biophysical properties (such as structural, functional, and spatial information, amino acid conservation, physicochemical variation, residue mobility, and thermodynamic stability) indicates that this missense variant is expected to disrupt TGFBR2 protein function with a positive predictive value of 95%. In summary, the available evidence is currently insufficient to determine the role of this variant in disease. Therefore, it has been classified as a Variant of Uncertain Significance.